The following is an entry in ClinVar:

ClinVar aggregate classification (germline): Uncertain significance. Review status: criteria provided, multiple submitters, no conflicts (2 of 4 stars). 2 submissions from 2 submitters: Uncertain significance (2). Last evaluated 2025-09-08.

Conditions:
Neuroblastoma, susceptibility to, 3. Also called: ALK-Related Neuroblastic Tumor Susceptibility. Identifiers: Orphanet 635, MedGen C2751681, MONDO:0013083, OMIM 613014.
Hereditary cancer-predisposing syndrome. Also called: Hereditary neoplastic syndrome; Neoplastic Syndromes, Hereditary; Tumor predisposition; Hereditary Cancer Syndrome. Identifiers: Orphanet 140162, MedGen C0027672, MeSH D009386, MONDO:0015356.

Allele frequency attached by ClinVar (database versions not stated): gnomAD exomes below 0.00001; TOPMed below 0.00001; ExAC 0.00001.
gnomAD v4.1: 1 of 1,614,214 alleles (0.000062%); highest among the groups gnomAD compares: Non-Finnish European, 0.000085%; no homozygotes.

Submissions (2):

Ambry Genetics
Classification: Uncertain significance for Hereditary cancer-predisposing syndrome. Last evaluated: 2025-09-08. Review status: criteria provided, single submitter. Criteria: Ambry Variant Classification Scheme 2023. Collection method: clinical testing. Allele origin: germline.
Comment: The p.T1500I variant (also known as c.4499C>T), located in coding exon 29 of the ALK gene, results from a C to T substitution at nucleotide position 4499. The threonine at codon 1500 is replaced by isoleucine, an amino acid with similar properties. This amino acid position is conserved. In addition, this alteration is predicted to be deleterious by in silico analysis. Based on the available evidence, the clinical significance of this variant remains unclear.

Labcorp Genetics (formerly Invitae), Labcorp
Classification: Uncertain significance for Neuroblastoma, susceptibility to, 3. Last evaluated: 2025-07-21. Review status: criteria provided, single submitter. Criteria: Invitae Variant Classification Sherloc (09022015). Collection method: clinical testing. Allele origin: germline.
Comment: This sequence change replaces threonine, which is neutral and polar, with isoleucine, which is neutral and non-polar, at codon 1500 of the ALK protein (p.Thr1500Ile). This variant is present in population databases (rs751170666, gnomAD 0.0009%). This variant has not been reported in the literature in individuals affected with ALK-related conditions. ClinVar contains an entry for this variant (Variation ID: 1044656). An algorithm developed to predict the effect of missense changes on protein structure and function (PolyPhen-2) suggests that this variant is likely to be disruptive. In summary, the available evidence is currently insufficient to determine the role of this variant in disease. Therefore, it has been classified as a Variant of Uncertain Significance.

NM_004304.5(ALK):c.4499C>T (p.Thr1500Ile)

Gene: ALK (ALK receptor tyrosine kinase; minus strand). Cytogenetic location: 2p23.2.
Variant type: single nucleotide variant.
Coding change: c.4499C>T on transcript NM_004304.5 (MANE Select); coding-DNA position 4499, C replaced by T.
Protein change: p.Thr1500Ile; replaces threonine 1500 with isoleucine.
Molecular consequence: missense variant.
Genome position (GRCh38, 1-based): chr2:29,193,588, G>A on the plus strand (C>T on the coding strand, the complement: ALK is on the minus strand). VCF-style: chr2-29193588-G-A. GRCh37 (hg19) VCF-style: chr2-29416454-G-A.
Other names: c.1295C>T, p.Thr432Ile (NM_001353765.2); c.4499C>T (NM_004304.4); short protein forms T432I, T1500I.
Identifiers: ClinVar variation 1044656 (VCV001044656.11), dbSNP rs751170666, ClinGen allele CA1593557.